The following is an entry in ClinVar:

NM_001436401.1:c.107C>G

Gene: NOBOX (NOBOX oogenesis homeobox; minus strand).
Variant type: single nucleotide variant.
Other names: (p.Pro36Arg); c.107C>G (NM_001436401.1).
Identifiers: ClinVar variation 4813616 (VCV004813616.1).

ClinVar aggregate classification (germline): Uncertain significance (1 of 4 stars; one submission).

Conditions:
Premature ovarian failure 5 (POF5). Identifiers: MedGen C1969060, MONDO:0012689, OMIM 611548.

Submission:

Department of Molecular Genetics, Istishari Arab Hospital
Classification: Uncertain significance for Premature ovarian failure 5. Last evaluated: 2026-03-10. Review status: criteria provided, single submitter. Criteria: ACMG Guidelines, 2015. Collection method: clinical testing. Allele origin: germline. Inheritance: Autosomal dominant inheritance. Affected: yes.
Comment: The NOBOX variant c.362C>G, p.Pro121Arg creates a change in the amino acid from Pro to Arg at position 121. This variant is observed with very low frequency in the gnomAD v4.1.0 dataset (<0.001) and has not been previously described in the literature. It is classified as a variant of uncertain significance according to the recommendations of ACMG/AMP/ClinGen SVI guidelines. The NOBOX gene encodes an oocyte-specific homeobox transcription factor that is essential for early folliculogenesis and regulation of genes required for oocyte growth and maturation. Pathogenic variants in NOBOX can disrupt normal oocyte development and lead to female infertility characterized by oocyte, zygote, or early embryo maturation arrest. Affected women typically have normal secondary sexual characteristics and menstrual cycles may be normal or mildly irregular, but during assisted reproductive procedures such as IVF, retrieved oocytes frequently fail to mature properly (often arrested at the germinal vesicle or metaphase I stage). In some cases, fertilization occurs, yet zygotes fail to progress beyond the pronuclear stage or early cleavage stages, resulting in early embryonic arrest and absence of viable blastocyst formation. The condition may present clinically as repeated IVF failure, poor oocyte maturation rates, or early embryo developmental arrest despite otherwise normal reproductive anatomy and hormonal profiles (PMID: 39871066).

Literature cited by the submitters: PubMed 39871066.